The following is an entry in ClinVar:

ClinVar aggregate classification (germline): Likely benign (1 of 4 stars; one submission).

gnomAD v4.1: 13 of 1,613,930 alleles (0.00081%); highest among the groups gnomAD compares: Admixed American, 0.0067%; no homozygotes.

Submission:

CeGaT Center for Human Genetics Tuebingen
Classification: Likely benign. Last evaluated: 2026-07-01. Review status: criteria provided, single submitter. Criteria: CeGaT Center For Human Genetics Tuebingen Variant Classification Criteria Version 2. Collection method: clinical testing. Allele origin: germline. Affected: yes. Observed: 1 variant allele.
Comment: SHQ1: BP4, BP7

NM_018130.3(SHQ1):c.1005C>G (p.Arg335=)

Gene: SHQ1 (SHQ1, H/ACA ribonucleoprotein assembly factor; minus strand). Cytogenetic location: 3p13.
Variant type: single nucleotide variant.
Coding change: c.1005C>G on transcript NM_018130.3 (MANE Select); coding-DNA position 1005, C replaced by G.
Protein change: p.Arg335=; no amino-acid change (arginine 335 retained).
Molecular consequence: synonymous variant.
Genome position (GRCh38, 1-based): chr3:72,812,726, G>C on the plus strand (C>G on the coding strand, the complement: SHQ1 is on the minus strand). VCF-style: chr3-72812726-G-C. GRCh37 (hg19) VCF-style: chr3-72861877-G-C.
Identifiers: ClinVar variation 5039354 (VCV005039354.1).
Genomic context (GRCh38, chr3:72,812,726, plus strand): 5'-CTTACCCAGTTGCAATATCTTTATAGTGTCCCTGTAGGCCTTCATCACCAGCTTGAAATG[G>C]CGATAGAGTGGGTAACACAACACCCTTCTTCCAAAAGACACCATGATATCATGAACGTTA-3'
Protein context (NP_060600.2, residues 325-345): GRRVLCYPLY[Arg335=]HFKLVMKAYR